The following is an entry in ClinVar:

NM_015910.7(WDPCP):c.2161G>A (p.Gly721Arg)

Gene: WDPCP (WD repeat containing planar cell polarity effector; minus strand). Cytogenetic location: 2p15.
Variant type: single nucleotide variant.
Coding change: c.2161G>A on transcript NM_015910.7 (MANE Select); coding-DNA position 2161, G replaced by A.
Protein change: p.Gly721Arg; replaces glycine 721 with arginine.
Molecular consequence: missense variant. On other transcripts: non-coding transcript variant (3).
Genome position (GRCh38, 1-based): chr2:63,152,943, C>T on the plus strand (G>A on the coding strand, the complement: WDPCP is on the minus strand). VCF-style: chr2-63152943-C-T. GRCh37 (hg19) VCF-style: chr2-63380078-C-T.
Other names: c.2161G>A (NM_015910.5); c.1684G>A, p.Gly562Arg (NM_001042692.3); c.2089G>A, p.Gly697Arg (NM_001354044.2); short protein forms G562R, G697R, G721R.
Identifiers: ClinVar variation 1450094 (VCV001450094.9), dbSNP rs563554007, ClinGen allele CA1681971.

ClinVar aggregate classification (germline): Uncertain significance. Review status: criteria provided, multiple submitters, no conflicts (2 of 4 stars). 3 submissions from 3 submitters: Uncertain significance (2). 1 of the submissions does not count toward it. Last evaluated 2024-04-18.

Conditions:
Bardet-Biedl syndrome (BBS). Identifiers: Orphanet 110, MedGen C0752166, MONDO:0015229.
WDPCP-related disorder. Also called: WDPCP-related condition.
Bardet-Biedl syndrome 15 (BBS15). Identifiers: Orphanet 110, MedGen C3150127, MONDO:0014443, OMIM 615992.
Heart defect - tongue hamartoma - polysyndactyly syndrome. Also called: Congenital heart defects, hamartomas of tongue, and polysyndactyly. Identifiers: Orphanet 1338, MedGen C1857587, MONDO:0009008, OMIM 217085.

Allele frequency attached by ClinVar (database versions not stated): gnomAD exomes 0.00003 and 0.00006; TOPMed 0.00003; gnomAD 0.00004 and 0.00005; ExAC 0.00005.
gnomAD v4.1: 53 of 1,612,284 alleles (0.0033%); highest among the groups gnomAD compares: Middle Eastern, 0.016%; no homozygotes.

Submissions (3):

Fulgent Genetics
Classification: Uncertain significance for Heart defect - tongue hamartoma - polysyndactyly syndrome; Bardet-Biedl syndrome 15. Last evaluated: 2024-04-18. Review status: criteria provided, single submitter. Criteria: ACMG Guidelines, 2015. Collection method: clinical testing. Allele origin: germline.

Labcorp Genetics (formerly Invitae), Labcorp
Classification: Uncertain significance for Bardet-Biedl syndrome. Last evaluated: 2022-08-09. Review status: criteria provided, single submitter. Criteria: Invitae Variant Classification Sherloc (09022015). Collection method: clinical testing. Allele origin: germline.
Comment: Algorithms developed to predict the effect of sequence changes on RNA splicing suggest that this variant may create or strengthen a splice site. In summary, the available evidence is currently insufficient to determine the role of this variant in disease. Therefore, it has been classified as a Variant of Uncertain Significance. Algorithms developed to predict the effect of missense changes on protein structure and function output the following: SIFT: "Deleterious"; PolyPhen-2: "Benign"; Align-GVGD: "Class C0". The arginine amino acid residue is found in multiple mammalian species, which suggests that this missense change does not adversely affect protein function. ClinVar contains an entry for this variant (Variation ID: 1450094). This variant has not been reported in the literature in individuals affected with WDPCP-related conditions. This variant is present in population databases (rs563554007, gnomAD 0.02%). This sequence change replaces glycine, which is neutral and non-polar, with arginine, which is basic and polar, at codon 721 of the WDPCP protein (p.Gly721Arg).

PreventionGenetics, part of Exact Sciences
Classification: Uncertain significance for WDPCP-related condition. Last evaluated: 2024-03-05. Review status: no assertion criteria provided. Collection method: clinical testing. Allele origin: germline. Not counted in ClinVar's aggregate classification.
Comment: The WDPCP c.2161G>A variant is predicted to result in the amino acid substitution p.Gly721Arg. To our knowledge, this variant has not been reported in the literature. This variant is reported in 0.015% of alleles in individuals of East Asian descent in gnomAD. At this time, the clinical significance of this variant is uncertain due to the absence of conclusive functional and genetic evidence.